The following is an entry in ClinVar:

ClinVar aggregate classification (germline): Uncertain significance (1 of 4 stars; one submission).

gnomAD v4.1: 1 of 1,199,358 alleles (0.000083%); highest among the groups gnomAD compares: Non-Finnish European, 0.00011%; no homozygotes.

Submission:

Labcorp Genetics (formerly Invitae), Labcorp
Classification: Uncertain significance. Last evaluated: 2024-10-22. Review status: criteria provided, single submitter. Criteria: Invitae Variant Classification Sherloc (09022015). Collection method: clinical testing. Allele origin: germline.
Comment: This sequence change replaces glycine, which is neutral and non-polar, with arginine, which is basic and polar, at codon 105 of the BPTF protein (p.Gly105Arg). The frequency data for this variant in the population databases is considered unreliable, as metrics indicate insufficient coverage at this position in the gnomAD database. This variant has not been reported in the literature in individuals affected with BPTF-related conditions. Experimental studies and prediction algorithms are not available or were not evaluated, and the functional significance of this variant is currently unknown. In summary, the available evidence is currently insufficient to determine the role of this variant in disease. Therefore, it has been classified as a Variant of Uncertain Significance.

NM_182641.4(BPTF):c.313G>A (p.Gly105Arg)

Gene: BPTF (bromodomain PHD finger transcription factor; plus strand). Cytogenetic location: 17q24.2.
Variant type: single nucleotide variant.
Coding change: c.313G>A on transcript NM_182641.4 (MANE Select); coding-DNA position 313, G replaced by A.
Protein change: p.Gly105Arg; replaces glycine 105 with arginine.
Molecular consequence: missense variant.
Genome position (GRCh38, 1-based): chr17:67,826,037, G>A. VCF-style: chr17-67826037-G-A. GRCh37 (hg19) VCF-style: chr17-65822153-G-A.
Other names: c.313G>A, p.Gly105Arg (NM_004459.7); short protein forms G105R.
Identifiers: ClinVar variation 3721841 (VCV003721841.2).